The following is an entry in ClinVar:

NM_000399.5(EGR2):c.79C>T (p.Pro27Ser)

Gene: EGR2 (early growth response 2; minus strand). Cytogenetic location: 10q21.3.
Variant type: single nucleotide variant.
Coding change: c.79C>T on transcript NM_000399.5 (MANE Select); coding-DNA position 79, C replaced by T.
Protein change: p.Pro27Ser; replaces proline 27 with serine.
Molecular consequence: missense variant. On other transcripts: 5 prime UTR variant (2).
Genome position (GRCh38, 1-based): chr10:62,815,951, G>A on the plus strand (C>T on the coding strand, the complement: EGR2 is on the minus strand). VCF-style: chr10-62815951-G-A. GRCh37 (hg19) VCF-style: chr10-64575711-G-A.
Other names: c.79C>T, p.Pro27Ser (NM_001136177.3, NM_001136178.2); c.-72C>T (NM_001136179.3, NM_001321037.2); c.118C>T, p.Pro40Ser (NM_001410931.1); short protein forms P27S, P40S.
Identifiers: ClinVar variation 2738084 (VCV002738084.3), dbSNP rs1191305771, ClinGen allele CA377034342.
Genomic context (GRCh38, chr10:62,815,951, plus strand): 5'-GGCCTCCCAGTTCGGCATTGGGAAAGATGGTCACCGACGTGGCGGCGAGGTCCTCCACCG[G>A]GTAGATGTTGTCAGACAGCTGGTGCACAAAACCACTGAGAGTTACTGGGATTTTGTCTAC-3'
Protein context (NP_000390.2, residues 17-37): FVHQLSDNIY[Pro27Ser]VEDLAATSVT

ClinVar aggregate classification (germline): Uncertain significance (1 of 4 stars; one submission).

Conditions:
Charcot-Marie-Tooth disease, type I (CMT1). Also called: Charcot-Marie-Tooth, Type 1; Charcot-Marie-Tooth disease type 1. Identifiers: Orphanet 65753, MedGen C0751036, MONDO:0019011.

Allele frequency attached by ClinVar (database versions not stated): TOPMed below 0.00001; gnomAD 0.00001.
gnomAD v4.1: 2 of 1,614,072 alleles (0.00012%); highest among the groups gnomAD compares: Admixed American, 0.0017%; no homozygotes.

Submission:

Labcorp Genetics (formerly Invitae), Labcorp
Classification: Uncertain significance for Charcot-Marie-Tooth disease, type I. Last evaluated: 2023-11-24. Review status: criteria provided, single submitter. Criteria: Invitae Variant Classification Sherloc (09022015). Collection method: clinical testing. Allele origin: germline.
Comment: This sequence change replaces proline, which is neutral and non-polar, with serine, which is neutral and polar, at codon 27 of the EGR2 protein (p.Pro27Ser). This variant is not present in population databases (gnomAD no frequency). This variant has not been reported in the literature in individuals affected with EGR2-related conditions. Advanced modeling of protein sequence and biophysical properties (such as structural, functional, and spatial information, amino acid conservation, physicochemical variation, residue mobility, and thermodynamic stability) performed at Invitae indicates that this missense variant is not expected to disrupt EGR2 protein function with a negative predictive value of 80%. In summary, the available evidence is currently insufficient to determine the role of this variant in disease. Therefore, it has been classified as a Variant of Uncertain Significance.